The following is an entry in ClinVar:

NM_000286.3(PEX12):c.461G>A (p.Arg154Gln)

Gene: PEX12 (peroxisomal biogenesis factor 12; minus strand). Cytogenetic location: 17q12.
Variant type: single nucleotide variant.
Coding change: c.461G>A on transcript NM_000286.3 (MANE Select); coding-DNA position 461, G replaced by A.
Protein change: p.Arg154Gln; replaces arginine 154 with glutamine.
Molecular consequence: missense variant.
Genome position (GRCh38, 1-based): chr17:35,577,257, C>T on the plus strand (G>A on the coding strand, the complement: PEX12 is on the minus strand). VCF-style: chr17-35577257-C-T. GRCh37 (hg19) VCF-style: chr17-33904276-C-T.
Other names: short protein forms R154Q.
Identifiers: ClinVar variation 1356255 (VCV001356255.3), dbSNP rs564816937, ClinGen allele CA8504904.
Genomic context (GRCh38, chr17:35,577,257, plus strand): 5'-AACCATCCTTCCCAGGCCATGTTCACAAATGGGTAGGCTGCCAGGAAAGCTCTGTAAAAT[C>T]GTTTCCAGCGGGAAGAAGGGGGATGAATAGAATATTCATCCTCTTCTCTCAGGCTAGAAA-3'
Protein context (NP_000277.1, residues 144-164): SIHPPSSRWK[Arg154Gln]FYRAFLAAYP

ClinVar aggregate classification (germline): Uncertain significance (1 of 4 stars; one submission).

Conditions:
Peroxisome biogenesis disorder 3A (Zellweger). Also called: PEROXISOMAL BIOGENESIS DISORDER 3A (ZELLWEGER); Peroxisome biogenesis disorder 3A. Identifiers: Orphanet 912, MedGen C3553929, MONDO:0013927, OMIM 614859.

Allele frequency attached by ClinVar (database versions not stated): 1000 Genomes Project 30x 0.00016; 1000 Genomes Project 0.00020.
gnomAD v4.1: 3 of 1,614,146 alleles (0.00019%); highest among the groups gnomAD compares: Middle Eastern, 0.016%; no homozygotes.

Submission:

Labcorp Genetics (formerly Invitae), Labcorp
Classification: Uncertain significance for Peroxisome biogenesis disorder 3A (Zellweger). Last evaluated: 2022-09-15. Review status: criteria provided, single submitter. Criteria: Invitae Variant Classification Sherloc (09022015). Collection method: clinical testing. Allele origin: germline.
Comment: This sequence change replaces arginine, which is basic and polar, with glutamine, which is neutral and polar, at codon 154 of the PEX12 protein (p.Arg154Gln). This variant is present in population databases (rs564816937, gnomAD 0.003%). This variant has not been reported in the literature in individuals affected with PEX12-related conditions. ClinVar contains an entry for this variant (Variation ID: 1356255). Advanced modeling of protein sequence and biophysical properties (such as structural, functional, and spatial information, amino acid conservation, physicochemical variation, residue mobility, and thermodynamic stability) performed at Invitae indicates that this missense variant is not expected to disrupt PEX12 protein function. In summary, the available evidence is currently insufficient to determine the role of this variant in disease. Therefore, it has been classified as a Variant of Uncertain Significance.